The following is an entry in ClinVar:

NM_016122.3(CEP83):c.1812-9_1812-5del

Gene: CEP83 (centrosomal protein 83; minus strand). Cytogenetic location: 12q22.
Variant type: Deletion.
Coding change: c.1812-9_1812-5del on transcript NM_016122.3 (MANE Select); 9 bases into the intron before coding-DNA position 1812 through 5 bases into the intron before coding-DNA position 1812, 5 bases deleted (CTTTT; older notation c.1812-9_1812-5delCTTTT).
Molecular consequence: intron variant.
Genome position (GRCh38, 1-based): chr12:94,310,112-94,310,116, AAAAG deleted on the plus strand (CTTTT on the coding strand, the reverse complement: CEP83 is on the minus strand); deleting any 5 consecutive bases within chr12:94,310,112-94,310,120 gives the same sequence; the c. name uses the placement nearest the transcript's 3' end. VCF-style (leftmost placement, unchanged base first): chr12-94310111-AAAAAG-A. GRCh37 (hg19) VCF-style: chr12-94703887-AAAAAG-A.
Other names: c.1812-9_1812-5del (NM_001346457.2, NM_001042399.2, NM_001368038.1 and 1 more transcripts); c.1500-9_1500-5del (NM_001346459.2, NM_001346458.2, NM_001368040.1 and 1 more transcripts); c.1587-9_1587-5del (NM_001368041.1).
Identifiers: ClinVar variation 2115431 (VCV002115431.4), dbSNP rs769434742, ClinGen allele CA6721539.

ClinVar aggregate classification (germline): Uncertain significance (1 of 4 stars; one submission).

Conditions:
Nephronophthisis 18 (NPHP18). Identifiers: Orphanet 655, MedGen C3890591, MONDO:0014374, OMIM 615862.

Submission:

Labcorp Genetics (formerly Invitae), Labcorp
Classification: Uncertain significance for Nephronophthisis 18. Last evaluated: 2022-05-27. Review status: criteria provided, single submitter. Criteria: Invitae Variant Classification Sherloc (09022015). Collection method: clinical testing. Allele origin: germline.
Comment: In summary, the available evidence is currently insufficient to determine the role of this variant in disease. Therefore, it has been classified as a Variant of Uncertain Significance. Algorithms developed to predict the effect of sequence changes on RNA splicing suggest that this variant may create or strengthen a splice site. This variant has not been reported in the literature in individuals affected with CEP83-related conditions. This variant is present in population databases (rs769434742, gnomAD 0.002%). This sequence change falls in intron 15 of the CEP83 gene. It does not directly change the encoded amino acid sequence of the CEP83 protein.